The following is an entry in ClinVar:

NM_001846.4(COL4A2):c.3455-5C>G

Gene: COL4A2 (collagen type IV alpha 2 chain; plus strand). Cytogenetic location: 13q34.
Variant type: single nucleotide variant.
Coding change: c.3455-5C>G on transcript NM_001846.4 (MANE Select); 5 bases into the intron before coding-DNA position 3455, C replaced by G.
Molecular consequence: intron variant.
Genome position (GRCh38, 1-based): chr13:110,492,065, C>G. VCF-style: chr13-110492065-C-G. GRCh37 (hg19) VCF-style: chr13-111144412-C-G.
Other names: p.?.
Identifiers: ClinVar variation 311163 (VCV000311163.17), dbSNP rs2296849, ClinGen allele CA7050228.

ClinVar aggregate classification (germline): Benign/Likely benign. Review status: criteria provided, multiple submitters, no conflicts (2 of 4 stars). 6 submissions from 6 submitters: Benign (5); Likely benign (1). Last evaluated 2026-02-03.

Conditions:
Brain small vessel disease 2A, autosomal dominant. Also called: Porencephaly 2. Identifiers: Orphanet 2940, Orphanet 99810, MedGen C3280970, MONDO:0013773, OMIM 614483.

Allele frequency attached by ClinVar (database versions not stated): ESP Exome Variant Server 0.03579; TOPMed 0.05254; gnomAD 0.05942 and 0.06639; 1000 Genomes Project 30x 0.11149; 1000 Genomes Project 0.11721; ExAC 0.11885; gnomAD exomes 0.06550 and 0.09403.
gnomAD v4.1: 102,230 of 1,551,114 alleles (6.6%); highest among the groups gnomAD compares: South Asian, 19%; 5,088 homozygotes.

Submissions (31):

Labcorp Genetics (formerly Invitae), Labcorp
Classification: Benign. Last evaluated: 2026-02-03. Review status: criteria provided, single submitter. Criteria: Invitae Variant Classification Sherloc (09022015). Collection method: clinical testing. Allele origin: germline.

Blueprint Genetics
Classification: Likely benign. Last evaluated: 2024-11-27. Review status: criteria provided, single submitter. Criteria: ACMG Guidelines, 2015. Collection method: clinical testing. Allele origin: germline.

Mayo Clinic Laboratories, Mayo Clinic
Classification: Benign. Last evaluated: 2022-04-26. Review status: criteria provided, single submitter. Criteria: ACMG Guidelines, 2015. Collection method: clinical testing. Allele origin: germline. Observed: 35 variant alleles.

GeneDx
Classification: Benign. Last evaluated: 2018-06-02. Review status: criteria provided, single submitter. Criteria: GeneDx Variant Classification (06012015). Collection method: clinical testing. Allele origin: germline. Affected: yes.
Comment: This variant is considered likely benign or benign based on one or more of the following criteria: it is a conservative change, it occurs at a poorly conserved position in the protein, it is predicted to be benign by multiple in silico algorithms, and/or has population frequency not consistent with disease.

Illumina Laboratory Services, Illumina
Classification: Benign for Brain small vessel disease 2A, autosomal dominant. Last evaluated: 2018-01-13. Review status: criteria provided, single submitter. Criteria: ICSL Variant Classification Criteria 13 December 2019. Collection method: clinical testing. Allele origin: germline.
Comment: This variant was observed in the ICSL laboratory as part of a predisposition screen in an ostensibly healthy population. It had not been previously curated by ICSL or reported in the Human Gene Mutation Database (HGMD: prior to June 1st, 2018), and was therefore a candidate for classification through an automated scoring system. Utilizing variant allele frequency, disease prevalence and penetrance estimates, and inheritance mode, an automated score was calculated to assess if this variant is too frequent to cause the disease. Based on the score and internal cut-off values, a variant classified as benign is not then subjected to further curation. The score for this variant resulted in a classification of benign for this disease.

Breakthrough Genomics
Classification: Benign. Review status: criteria provided, single submitter. Criteria: ACMG Guidelines, 2015. Collection method: not provided. Allele origin: germline. Inheritance: Autosomal dominant inheritance. Affected: yes.

Dr. Peter K. Rogan Lab, Western University
No classification provided (evidence only). Condition: Clear cell carcinoma of kidney. Review status: no classification provided. Collection method: in vitro. Allele origin: not applicable. Functional consequence: skipped exon. Not counted in ClinVar's aggregate classification.

Dr. Peter K. Rogan Lab, Western University
No classification provided (evidence only). Condition: Clear cell carcinoma of kidney. Review status: no classification provided. Collection method: in vitro. Allele origin: not applicable. Functional consequence: skipped exon, retained intron. Not counted in ClinVar's aggregate classification.

Dr. Peter K. Rogan Lab, Western University
No classification provided (evidence only). Condition: Clear cell carcinoma of kidney. Review status: no classification provided. Collection method: in vitro. Allele origin: not applicable. Functional consequence: retained intron. Not counted in ClinVar's aggregate classification.

Dr. Peter K. Rogan Lab, Western University
No classification provided (evidence only). Condition: Lung cancer. Review status: no classification provided. Collection method: in vitro. Allele origin: not applicable. Functional consequence: skipped exon, retained intron. Not counted in ClinVar's aggregate classification.

Dr. Peter K. Rogan Lab, Western University
No classification provided (evidence only). Condition: Lung cancer. Review status: no classification provided. Collection method: in vitro. Allele origin: not applicable. Functional consequence: retained intron. Not counted in ClinVar's aggregate classification.

Dr. Peter K. Rogan Lab, Western University
No classification provided (evidence only). Condition: Lung cancer. Review status: no classification provided. Collection method: in vitro. Allele origin: not applicable. Functional consequence: skipped exon. Not counted in ClinVar's aggregate classification.

Dr. Peter K. Rogan Lab, Western University
No classification provided (evidence only). Condition: Colon adenocarcinoma. Review status: no classification provided. Collection method: in vitro. Allele origin: not applicable. Functional consequence: retained intron. Not counted in ClinVar's aggregate classification.

Dr. Peter K. Rogan Lab, Western University
No classification provided (evidence only). Condition: Colon adenocarcinoma. Review status: no classification provided. Collection method: in vitro. Allele origin: not applicable. Functional consequence: retained intron. Not counted in ClinVar's aggregate classification.

Dr. Peter K. Rogan Lab, Western University
No classification provided (evidence only). Condition: Hepatocellular carcinoma. Review status: no classification provided. Collection method: in vitro. Allele origin: not applicable. Functional consequence: skipped exon. Not counted in ClinVar's aggregate classification.

Dr. Peter K. Rogan Lab, Western University
No classification provided (evidence only). Condition: Nonpapillary renal cell carcinoma. Review status: no classification provided. Collection method: in vitro. Allele origin: not applicable. Functional consequence: retained intron. Not counted in ClinVar's aggregate classification.

Dr. Peter K. Rogan Lab, Western University
No classification provided (evidence only). Condition: Thymoma. Review status: no classification provided. Collection method: in vitro. Allele origin: not applicable. Functional consequence: retained intron. Not counted in ClinVar's aggregate classification.

Dr. Peter K. Rogan Lab, Western University
No classification provided (evidence only). Condition: Thymoma. Review status: no classification provided. Collection method: in vitro. Allele origin: not applicable. Functional consequence: retained intron. Not counted in ClinVar's aggregate classification.

Dr. Peter K. Rogan Lab, Western University
No classification provided (evidence only). Condition: Cholangiocarcinoma. Review status: no classification provided. Collection method: in vitro. Allele origin: not applicable. Functional consequence: skipped exon, retained intron. Not counted in ClinVar's aggregate classification.

Dr. Peter K. Rogan Lab, Western University
No classification provided (evidence only). Condition: Ovarian serous cystadenocarcinoma. Review status: no classification provided. Collection method: in vitro. Allele origin: not applicable. Functional consequence: retained intron. Not counted in ClinVar's aggregate classification.

Dr. Peter K. Rogan Lab, Western University
No classification provided (evidence only). Condition: Ovarian serous cystadenocarcinoma. Review status: no classification provided. Collection method: in vitro. Allele origin: not applicable. Functional consequence: retained intron. Not counted in ClinVar's aggregate classification.

Dr. Peter K. Rogan Lab, Western University
No classification provided (evidence only). Condition: Ovarian serous cystadenocarcinoma. Review status: no classification provided. Collection method: in vitro. Allele origin: not applicable. Functional consequence: retained intron. Not counted in ClinVar's aggregate classification.

Dr. Peter K. Rogan Lab, Western University
No classification provided (evidence only). Condition: Ovarian serous cystadenocarcinoma. Review status: no classification provided. Collection method: in vitro. Allele origin: not applicable. Functional consequence: retained intron. Not counted in ClinVar's aggregate classification.

Dr. Peter K. Rogan Lab, Western University
No classification provided (evidence only). Condition: Gastric cancer. Review status: no classification provided. Collection method: in vitro. Allele origin: not applicable. Functional consequence: retained intron. Not counted in ClinVar's aggregate classification.

Dr. Peter K. Rogan Lab, Western University
No classification provided (evidence only). Condition: Gastric cancer. Review status: no classification provided. Collection method: in vitro. Allele origin: not applicable. Functional consequence: retained intron. Not counted in ClinVar's aggregate classification.

Dr. Peter K. Rogan Lab, Western University
No classification provided (evidence only). Condition: Gastric cancer. Review status: no classification provided. Collection method: in vitro. Allele origin: not applicable. Functional consequence: retained intron. Not counted in ClinVar's aggregate classification.

Dr. Peter K. Rogan Lab, Western University
No classification provided (evidence only). Condition: Gastric cancer. Review status: no classification provided. Collection method: in vitro. Allele origin: not applicable. Functional consequence: retained intron. Not counted in ClinVar's aggregate classification.

Dr. Peter K. Rogan Lab, Western University
No classification provided (evidence only). Condition: Adrenocortical carcinoma, hereditary. Review status: no classification provided. Collection method: in vitro. Allele origin: not applicable. Functional consequence: skipped exon. Not counted in ClinVar's aggregate classification.

Dr. Peter K. Rogan Lab, Western University
No classification provided (evidence only). Condition: Adrenocortical carcinoma, hereditary. Review status: no classification provided. Collection method: in vitro. Allele origin: not applicable. Functional consequence: retained intron. Not counted in ClinVar's aggregate classification.

Dr. Peter K. Rogan Lab, Western University
No classification provided (evidence only). Condition: Adrenocortical carcinoma, hereditary. Review status: no classification provided. Collection method: in vitro. Allele origin: not applicable. Functional consequence: retained intron. Not counted in ClinVar's aggregate classification.

Dr. Peter K. Rogan Lab, Western University
No classification provided (evidence only). Condition: Uterine carcinosarcoma. Review status: no classification provided. Collection method: in vitro. Allele origin: not applicable. Functional consequence: skipped exon. Not counted in ClinVar's aggregate classification.